The following is an entry in ClinVar:

NM_001148.6(ANK2):c.9424A>C (p.Thr3142Pro)

Gene: ANK2 (ankyrin 2; plus strand). Cytogenetic location: 4q26.
Variant type: single nucleotide variant.
Coding change: c.9424A>C on transcript NM_001148.6 (MANE Select); coding-DNA position 9424, A replaced by C.
Protein change: p.Thr3142Pro; replaces threonine 3142 with proline.
Molecular consequence: missense variant. On other transcripts: intron variant (68).
Genome position (GRCh38, 1-based): chr4:113,358,042, A>C. VCF-style: chr4-113358042-A-C. GRCh37 (hg19) VCF-style: chr4-114279198-A-C.
Other names: c.9190A>C, p.Thr3064Pro (NM_001386142.1); c.5824A>C, p.Thr1942Pro (NM_001386166.1); c.9565A>C, p.Thr3189Pro (NM_001386174.1); c.9541A>C, p.Thr3181Pro (NM_001386175.1); c.4412-2781A>C (NM_001386186.2, NM_001386148.2); c.4214-2781A>C (NM_001354269.3); c.4292-2781A>C (NM_001386187.2); c.4253-2781A>C (NM_001386147.1); and 35 more; short protein forms T3142P, T1942P, T3064P, T3181P, T3189P.
Identifiers: ClinVar variation 406459 (VCV000406459.14), dbSNP rs374350634, ClinGen allele CA3051914.
Genomic context (GRCh38, chr4:113,358,042, plus strand): 5'-AGGTCCTATGCAGATGAAAGTTTTCACTTTTTCCAAATTGGTCAAGAATCCAGGGAAGAG[A>C]CTCTCTCTGAAGATGTGAAAGAAGGGGCTACTGGGGCTGATCCCCTACCGCTGGAGACAT-3'
Protein context (NP_001139.3, residues 3132-3152): FQIGQESREE[Thr3142Pro]LSEDVKEGAT

ClinVar aggregate classification (germline): Conflicting classifications of pathogenicity. Review status: criteria provided, conflicting classifications (1 of 4 stars). 5 submissions from 5 submitters: Uncertain significance (3); Likely benign (2). Last evaluated 2026-07-11.

Conditions:
ANK2-related disorder. Also called: ANK2-related condition.
Cardiovascular phenotype. Identifiers: MedGen CN230736.
Long QT syndrome (LQTS). Identifiers: MedGen C0023976, MeSH D008133, MONDO:0002442. Disease mechanism: loss of function. Inheritance: Various modes of inheritance.
Cardiac arrhythmia, ankyrin-B-related. Also called: ANKYRIN-B SYNDROME. Identifiers: Orphanet 101016, Orphanet 768, MedGen C1970119, MONDO:0010958, OMIM 600919.

Allele frequency attached by ClinVar (database versions not stated): ExAC 0.00008; ESP Exome Variant Server 0.00008; gnomAD exomes 0.00013; gnomAD 0.00019 and 0.00023; TOPMed 0.00029.
gnomAD v4.1: 97 of 1,613,754 alleles (0.006%); highest among the groups gnomAD compares: African/African-American, 0.044%; no homozygotes.

Submissions (5):

PreventionGenetics, part of Exact Sciences
Classification: Likely benign for ANK2-related condition. Last evaluated: 2026-07-11. Review status: criteria provided, single submitter. Criteria: ACMG Guidelines, 2015. Collection method: clinical testing. Allele origin: germline.
Comment: This variant is classified as likely benign based on ACMG/AMP sequence variant interpretation guidelines (Richards et al. 2015 PMID: 25741868, with internal and published modifications).

Labcorp Genetics (formerly Invitae), Labcorp
Classification: Uncertain significance for Long QT syndrome. Last evaluated: 2025-11-01. Review status: criteria provided, single submitter. Criteria: Invitae Variant Classification Sherloc (09022015). Collection method: clinical testing. Allele origin: germline.
Comment: This sequence change replaces threonine, which is neutral and polar, with proline, which is neutral and non-polar, at codon 3142 of the ANK2 protein (p.Thr3142Pro). This variant is present in population databases (rs374350634, gnomAD 0.06%), and has an allele count higher than expected for a pathogenic variant. This variant has not been reported in the literature in individuals affected with ANK2-related conditions. ClinVar contains an entry for this variant (Variation ID: 406459). An algorithm developed to predict the effect of missense changes on protein structure and function (PolyPhen-2) suggests that this variant is likely to be disruptive. In summary, the available evidence is currently insufficient to determine the role of this variant in disease. Therefore, it has been classified as a Variant of Uncertain Significance.

GeneDx
Classification: Uncertain significance. Last evaluated: 2023-12-14. Review status: criteria provided, single submitter. Criteria: GeneDx Variant Classification Process June 2021. Collection method: clinical testing. Allele origin: germline. Affected: yes.
Comment: Has not been previously published as pathogenic or benign to our knowledge; In silico analysis supports that this missense variant does not alter protein structure/function; Located in exon 38, which is reported as being expressed in a brain-specific transcript (PMID: 26109584, 18790697, 1830053); This variant is associated with the following publications: (PMID: 26109584, 18790697, 1830053)

Fulgent Genetics
Classification: Uncertain significance for Cardiac arrhythmia, ankyrin-B-related. Last evaluated: 2021-09-14. Review status: criteria provided, single submitter. Criteria: ACMG Guidelines, 2015. Collection method: clinical testing. Allele origin: unknown.

Ambry Genetics
Classification: Likely benign for Cardiovascular phenotype. Last evaluated: 2018-01-12. Review status: criteria provided, single submitter. Criteria: Ambry Variant Classification Scheme 2023. Collection method: clinical testing. Allele origin: germline.